The following is an entry in ClinVar:

NM_001365276.2(TNXB):c.8528A>C (p.Asn2843Thr)

Gene: TNXB (tenascin XB; minus strand). Cytogenetic location: 6p21.33.
Variant type: single nucleotide variant.
Coding change: c.8528A>C on transcript NM_001365276.2 (MANE Select); coding-DNA position 8528, A replaced by C.
Protein change: p.Asn2843Thr; replaces asparagine 2843 with threonine.
Molecular consequence: missense variant.
Genome position (GRCh38, 1-based): chr6:32,053,651, T>G on the plus strand (A>C on the coding strand, the complement: TNXB is on the minus strand). VCF-style: chr6-32053651-T-G. GRCh37 (hg19) VCF-style: chr6-32021428-T-G.
Other names: c.9269A>C, p.Asn3090Thr (NM_001428335.1); c.8522A>C, p.Asn2841Thr (NM_019105.8); short protein forms N2843T, N2841T, N3090T.
Identifiers: ClinVar variation 5031040 (VCV005031040.1).
Genomic context (GRCh38, chr6:32,053,651, plus strand): 5'-GACAGGCTGAGGGAGTCAGGGGTGGCATCTGTCACGGTCAGCTCCCCGAGGCGAGGCTTG[T>G]TGGGGGGCTCAGGGGTTGTGGTGGGCACTGCTTGGGTGGTCTCTGCTTCATCCTCTGGAG-3'
Protein context (NP_001352205.1, residues 2833-2853): AVPTTTPEPP[Asn2843Thr]KPRLGELTVT

ClinVar aggregate classification (germline): Uncertain significance (1 of 4 stars; one submission).

Conditions:
Cardiovascular phenotype. Identifiers: MedGen CN230736.

gnomAD v4.1: 2 of 1,613,132 alleles (0.00012%); highest among the groups gnomAD compares: African/African-American, 0.0013%; no homozygotes.

Submission:

Ambry Genetics
Classification: Uncertain significance for Cardiovascular phenotype. Last evaluated: 2026-08-10. Review status: criteria provided, single submitter. Criteria: Ambry Variant Classification Scheme 2023. Collection method: clinical testing. Allele origin: germline.
Comment: The p.N2841T variant (also known as c.8522A>C), located in coding exon 24 of the TNXB gene, results from an A to C substitution at nucleotide position 8522. The asparagine at codon 2841 is replaced by threonine, an amino acid with similar properties. This amino acid position is conserved. In addition, this alteration is predicted to be tolerated by in silico analysis. Based on the available evidence, the clinical significance of this variant remains unclear.